The following is an entry in ClinVar:

ClinVar aggregate classification (germline): Uncertain significance (1 of 4 stars; one submission).

gnomAD v4.1: 12 of 1,610,188 alleles (0.00075%); highest among the groups gnomAD compares: Non-Finnish European, 0.001%; no homozygotes.

Submission:

GeneDx
Classification: Uncertain significance. Last evaluated: 2023-04-28. Review status: criteria provided, single submitter. Criteria: GeneDx Variant Classification Process June 2021. Collection method: clinical testing. Allele origin: germline. Affected: yes.
Comment: Nonsense variant predicted to result in protein truncation as the last 22 amino acids are lost, although loss-of-function variants have not been reported downstream of this position in the protein; Not observed at significant frequency in large population cohorts (gnomAD); Has not been previously published as pathogenic or benign to our knowledge

NM_080860.4(RSPH1):c.864T>G (p.Tyr288Ter)

Gene: RSPH1 (radial spoke head component 1; minus strand). Cytogenetic location: 21q22.3.
Variant type: single nucleotide variant.
Coding change: c.864T>G on transcript NM_080860.4 (MANE Select); coding-DNA position 864, T replaced by G.
Protein change: p.Tyr288Ter; replaces tyrosine 288 with a stop codon.
Molecular consequence: nonsense.
Genome position (GRCh38, 1-based): chr21:42,475,911, A>C on the plus strand (T>G on the coding strand, the complement: RSPH1 is on the minus strand). VCF-style: chr21-42475911-A-C. GRCh37 (hg19) VCF-style: chr21-43896021-A-C.
Other names: c.750T>G, p.Tyr250Ter (NM_001286506.2); short protein forms Y250*, Y288*.
Identifiers: ClinVar variation 3343026 (VCV003343026.1).